The following is an entry in ClinVar:

ClinVar aggregate classification (germline): Uncertain significance (1 of 4 stars; one submission).

Allele frequency attached by ClinVar (database versions not stated): ExAC 0.00002; TOPMed 0.00004; ESP Exome Variant Server 0.00008; gnomAD 0.00005; gnomAD exomes 0.00010; 1000 Genomes Project 30x 0.00016; 1000 Genomes Project 0.00020.

Submission:

Labcorp Genetics (formerly Invitae), Labcorp
Classification: Uncertain significance. Last evaluated: 2025-11-27. Review status: criteria provided, single submitter. Criteria: Invitae Variant Classification Sherloc (09022015). Collection method: clinical testing. Allele origin: germline.
Comment: This sequence change replaces arginine, which is basic and polar, with glutamine, which is neutral and polar, at codon 168 of the SPARC protein (p.Arg168Gln). This variant is present in population databases (rs185684862, gnomAD 0.009%). This variant has not been reported in the literature in individuals affected with SPARC-related conditions. ClinVar contains an entry for this variant (Variation ID: 2693840). Invitae Evidence Modeling of protein sequence and biophysical properties (such as structural, functional, and spatial information, amino acid conservation, physicochemical variation, residue mobility, and thermodynamic stability) has been performed for this missense variant. However, the output from this modeling did not meet the statistical confidence thresholds required to predict the impact of this variant on SPARC protein function. Algorithms developed to predict the effect of sequence changes on RNA splicing suggest that this variant may create or strengthen a splice site. In summary, the available evidence is currently insufficient to determine the role of this variant in disease. Therefore, it has been classified as a Variant of Uncertain Significance.

NM_003118.4(SPARC):c.503G>A (p.Arg168Gln)

Gene: SPARC (secreted protein acidic and cysteine rich; minus strand). Cytogenetic location: 5q33.1.
Variant type: single nucleotide variant.
Coding change: c.503G>A on transcript NM_003118.4 (MANE Select); coding-DNA position 503, G replaced by A.
Protein change: p.Arg168Gln; replaces arginine 168 with glutamine.
Molecular consequence: missense variant.
Genome position (GRCh38, 1-based): chr5:151,667,549, C>T on the plus strand (G>A on the coding strand, the complement: SPARC is on the minus strand). VCF-style: chr5-151667549-C-T. GRCh37 (hg19) VCF-style: chr5-151047110-C-T.
Other names: c.500G>A, p.Arg167Gln (NM_001309443.2); c.503G>A, p.Arg168Gln (NM_001309444.2); short protein forms R167Q, R168Q.
Identifiers: ClinVar variation 2693840 (VCV002693840.2), dbSNP rs185684862, ClinGen allele CA3522663.
Genomic context (GRCh38, chr5:151,667,549, plus strand): 5'-AGAAGGTTGTTGTCCTCATCCCTCTCATACAGGGTGACCAGGACGTTCTTGAGCCAGTCC[C>T]GCATGCGCAGGGGGAATTCGGTCAGCTCAGAGTCCAGGCAAGGGGGGATGTCTAGGTTCC-3'
Protein context (NP_003109.1, residues 158-178): SELTEFPLRM[Arg168Gln]DWLKNVLVTL